The following is an entry in ClinVar:

NM_001283009.2(RTEL1):c.3623C>T (p.Pro1208Leu)

Genes: RTEL1 (regulator of telomere elongation helicase 1; plus strand), RTEL1-TNFRSF6B (RTEL1-TNFRSF6B readthrough (NMD candidate); plus strand). Cytogenetic location: 20q13.33.
Variant type: single nucleotide variant.
Coding change: c.3623C>T on transcript NM_001283009.2 (MANE Select); coding-DNA position 3623, C replaced by T.
Protein change: p.Pro1208Leu; replaces proline 1208 with leucine.
Molecular consequence: missense variant. On other transcripts: non-coding transcript variant (1).
Genome position (GRCh38, 1-based): chr20:63,695,451, C>T. VCF-style: chr20-63695451-C-T. GRCh37 (hg19) VCF-style: chr20-62326804-C-T.
Other names: c.2954C>T, p.Pro985Leu (NM_001283010.1); c.3623C>T, p.Pro1208Leu (NM_016434.4); c.3695C>T, p.Pro1232Leu (NM_032957.5); short protein forms P1232L, P1208L, P985L.
Identifiers: ClinVar variation 2201250 (VCV002201250.3), dbSNP rs1020833078, ClinGen allele CA317529987.
Genomic context (GRCh38, chr20:63,695,451, plus strand): 5'-GGCCAGCAGGGACTGTGGGGGCGGGCGGTGAGGATGCAGGTCCCAGCCAGTCCTCAGGAC[C>T]TCCCCACGGGCCTGCAGCATCTGAGTGGGGTGAGCCTCATGGGAGAGACATCGCTGGGCA-3'
Protein context (NP_001269938.1, residues 1198-1218): EDAGPSQSSG[Pro1208Leu]PHGPAASEWG

ClinVar aggregate classification (germline): Uncertain significance. Review status: criteria provided, multiple submitters, no conflicts (2 of 4 stars). 2 submissions from 2 submitters: Uncertain significance (2). Last evaluated 2026-01-20.

Conditions:
Dyskeratosis congenita, autosomal recessive 5 (DKCB5). Identifiers: MedGen C3554656, MONDO:0014076, OMIM 615190.
Pulmonary fibrosis and/or bone marrow failure, Telomere-related, 3. Also called: PULMONARY FIBROSIS AND/OR BONE MARROW FAILURE SYNDROME, TELOMERE-RELATED, 3. Identifiers: Orphanet 2032, MedGen C4225346, MONDO:0014613, OMIM 616373.

Allele frequency attached by ClinVar (database versions not stated): gnomAD exomes below 0.00001; TOPMed 0.00005; gnomAD 0.00006.
gnomAD v4.1: 12 of 1,585,288 alleles (0.00076%); highest among the groups gnomAD compares: African/African-American, 0.015%; no homozygotes.

Submissions (2):

Labcorp Genetics (formerly Invitae), Labcorp
Classification: Uncertain significance for Dyskeratosis congenita, autosomal recessive 5; Pulmonary fibrosis and/or bone marrow failure, Telomere-related, 3. Last evaluated: 2026-01-20. Review status: criteria provided, single submitter. Criteria: Invitae Variant Classification Sherloc (09022015). Collection method: clinical testing. Allele origin: germline.
Comment: This sequence change replaces proline, which is neutral and non-polar, with leucine, which is neutral and non-polar, at codon 1208 of the RTEL1 protein (p.Pro1208Leu). This variant is present in population databases (no rsID available, gnomAD 0.02%). This variant has not been reported in the literature in individuals affected with RTEL1-related conditions. ClinVar contains an entry for this variant (Variation ID: 2201250). An algorithm developed to predict the effect of missense changes on protein structure and function outputs the following: PolyPhen-2: "Benign". The leucine amino acid residue is found in multiple mammalian species, which suggests that this missense change does not adversely affect protein function. In summary, the available evidence is currently insufficient to determine the role of this variant in disease. Therefore, it has been classified as a Variant of Uncertain Significance.

Blueprint Genetics
Classification: Uncertain significance. Last evaluated: 2019-01-17. Review status: criteria provided, single submitter. Criteria: ACMG Guidelines, 2015. Collection method: clinical testing. Allele origin: germline.